The following is an entry in ClinVar:

NM_000388.4(CASR):c.1562T>C (p.Leu521Pro)

Gene: CASR (calcium sensing receptor; plus strand). Cytogenetic location: 3q21.1.
Variant type: single nucleotide variant.
Coding change: c.1562T>C on transcript NM_000388.4 (MANE Select); coding-DNA position 1562, T replaced by C.
Protein change: p.Leu521Pro; replaces leucine 521 with proline.
Molecular consequence: missense variant.
Genome position (GRCh38, 1-based): chr3:122,275,996, T>C. VCF-style: chr3-122275996-T-C. GRCh37 (hg19) VCF-style: chr3-121994843-T-C.
Other names: c.1562T>C, p.Leu521Pro (NM_001178065.2); short protein forms L521P.
Identifiers: ClinVar variation 2691490 (VCV002691490.1), dbSNP rs2473258389, ClinGen allele CA354155439.

ClinVar aggregate classification (germline): Uncertain significance (1 of 4 stars; one submission).

Submission:

Women's Health and Genetics/Laboratory Corporation of America, LabCorp
Classification: Uncertain significance. Last evaluated: 2023-12-07. Review status: criteria provided, single submitter. Criteria: LabCorp Variant Classification Summary - May 2015. Collection method: clinical testing. Allele origin: germline.
Comment: Variant summary: CASR c.1562T>C (p.Leu521Pro) results in a non-conservative amino acid change in the encoded protein sequence. Five of five in-silico tools predict a damaging effect of the variant on protein function. The variant was absent in 251260 control chromosomes (gnomAD). The available data on variant occurrences in the general population are insufficient to allow any conclusion about variant significance. To our knowledge, no occurrence of c.1562T>C in individuals affected with Autosomal Dominant Hypocalcemia and no experimental evidence demonstrating its impact on protein function have been reported. No submitters have cited clinical-significance assessments for this variant to ClinVar after 2014. Based on the evidence outlined above, the variant was classified as uncertain significance.